The following is an entry in ClinVar:

ClinVar aggregate classification (germline): Uncertain significance. Review status: criteria provided, multiple submitters, no conflicts (2 of 4 stars). 2 submissions from 2 submitters: Uncertain significance (2). Last evaluated 2024-03-09.

Conditions:
Ataxia-telangiectasia syndrome (AT). Also called: Ataxia-telangiectasia, complementation group D; Ataxia telangiectasia (A-T); Cerebello-oculocutaneous telangiectasia; Immunodeficiency with ataxia telangiectasia; ATAXIA-TELANGIECTASIA, COMPLEMENTATION GROUP A; ATAXIA-TELANGIECTASIA, FRESNO VARIANT. Identifiers: Orphanet 100, MedGen C0004135, MONDO:0008840, OMIM 208900.
Hereditary cancer-predisposing syndrome. Also called: Hereditary neoplastic syndrome; Neoplastic Syndromes, Hereditary; Hereditary Cancer Syndrome; Tumor predisposition. Identifiers: Orphanet 140162, MedGen C0027672, MeSH D009386, MONDO:0015356.

Submissions (2):

Ambry Genetics
Classification: Uncertain significance for Hereditary cancer-predisposing syndrome. Last evaluated: 2024-03-09. Review status: criteria provided, single submitter. Criteria: Ambry Variant Classification Scheme 2023. Collection method: clinical testing. Allele origin: germline.
Comment: The p.L948P variant (also known as c.2843T>C), located in coding exon 18 of the ATM gene, results from a T to C substitution at nucleotide position 2843. The leucine at codon 948 is replaced by proline, an amino acid with similar properties. This amino acid position is conserved. In addition, this alteration is predicted to be deleterious by in silico analysis. Based on the available evidence, the clinical significance of this alteration remains unclear.

Labcorp Genetics (formerly Invitae), Labcorp
Classification: Uncertain significance for Ataxia-telangiectasia syndrome. Last evaluated: 2021-11-12. Review status: criteria provided, single submitter. Criteria: Invitae Variant Classification Sherloc (09022015). Collection method: clinical testing. Allele origin: germline.
Comment: In summary, the available evidence is currently insufficient to determine the role of this variant in disease. Therefore, it has been classified as a Variant of Uncertain Significance. Advanced modeling of protein sequence and biophysical properties (such as structural, functional, and spatial information, amino acid conservation, physicochemical variation, residue mobility, and thermodynamic stability) performed at Invitae indicates that this missense variant is not expected to disrupt ATM protein function. This variant has not been reported in the literature in individuals affected with ATM-related conditions. This variant is not present in population databases (gnomAD no frequency). This sequence change replaces leucine, which is neutral and non-polar, with proline, which is neutral and non-polar, at codon 948 of the ATM protein (p.Leu948Pro).

NM_000051.4(ATM):c.2843T>C (p.Leu948Pro)

Gene: ATM (ATM serine/threonine kinase; plus strand). Cytogenetic location: 11q22.3.
Variant type: single nucleotide variant.
Coding change: c.2843T>C on transcript NM_000051.4 (MANE Select); coding-DNA position 2843, T replaced by C.
Protein change: p.Leu948Pro; replaces leucine 948 with proline.
Molecular consequence: missense variant.
Genome position (GRCh38, 1-based): chr11:108,271,068, T>C. VCF-style: chr11-108271068-T-C. GRCh37 (hg19) VCF-style: chr11-108141795-T-C.
Other names: c.2843T>C, p.Leu948Pro (NM_001351834.2); c.2843T>C (NM_000051.3); short protein forms L948P.
Identifiers: ClinVar variation 1392923 (VCV001392923.7), dbSNP rs2135547361, ClinGen allele CA382546690.
Genomic context (GRCh38, chr11:108,271,068, plus strand): 5'-TTTTAAAGTAAATGATTTGTGGATAAACCTGATTTTTTTCCCTCCTACCATCTTAGTATC[T>C]AATGCTTTTAAAGGAGCTTCCTGGAGAAGAGTACCCCTTGCCAATGGAAGATGTTCTTGA-3'
Protein context (NP_000042.3, residues 938-958): PTKSLHLHMY[Leu948Pro]MLLKELPGEE